The following is an entry in ClinVar:

NM_000282.4(PCCA):c.2118+191G>C

Gene: PCCA (propionyl-CoA carboxylase subunit alpha; plus strand). Cytogenetic location: 13q32.3.
Variant type: single nucleotide variant.
Coding change: c.2118+191G>C on transcript NM_000282.4 (MANE Select); 191 bases into the intron after coding-DNA position 2118, G replaced by C.
Molecular consequence: intron variant.
Genome position (GRCh38, 1-based): chr13:100,527,943, G>C. VCF-style: chr13-100527943-G-C. GRCh37 (hg19) VCF-style: chr13-101180197-G-C.
Other names: c.1977+191G>C (NM_001178004.2); c.2064+191G>C (NM_001352605.2); c.1974+191G>C (NM_001352606.2); c.1173+191G>C (NM_001352610.2); c.1119+191G>C (NM_001352611.2); c.1029+191G>C (NM_001352612.2); c.2040+191G>C (NM_001127692.3); c.1899+191G>C (NM_001352607.2); and 1 more.
Identifiers: ClinVar variation 683356 (VCV000683356.1), dbSNP rs837335, ClinGen allele CA13798673.
Genomic context (GRCh38, chr13:100,527,943, plus strand): 5'-GTTAGGATTGGGAGCTTTTGCCATTCTGCCCTGATGCATCCCTGCCTCGTAGAGAGCGTG[G>C]CTTCCAAAAAGTCTGTGCTTTATGTTCAGGTAGTCAAAGAACAATTGTTCTTCACCTTAA-3'

ClinVar aggregate classification (germline): Benign (1 of 4 stars; one submission).

Allele frequency attached by ClinVar (database versions not stated): gnomAD 0.61718 and 0.62476; TOPMed 0.63421; 1000 Genomes Project 30x 0.75515; 1000 Genomes Project 0.75559.
gnomAD v4.1: 94,838 of 152,058 alleles (62%); highest among the groups gnomAD compares: East Asian, 85%; 31,133 homozygotes.

Submission:

GeneDx
Classification: Benign. Last evaluated: 2018-06-14. Review status: criteria provided, single submitter. Criteria: GeneDx Variant Classification (06012015). Collection method: clinical testing. Allele origin: germline. Affected: yes.
Comment: This variant is considered likely benign or benign based on one or more of the following criteria: it is a conservative change, it occurs at a poorly conserved position in the protein, it is predicted to be benign by multiple in silico algorithms, and/or has population frequency not consistent with disease.